The following is an entry in ClinVar:

NM_001308093.3(GATA4):c.302C>T (p.Pro101Leu)

Gene: GATA4 (GATA binding protein 4). Cytogenetic location: 8p23.1.
Variant type: single nucleotide variant.
Coding change: c.302C>T on transcript NM_001308093.3 (MANE Select); coding-DNA position 302, C replaced by T.
Protein change: p.Pro101Leu; replaces proline 101 with leucine.
Molecular consequence: missense variant. On other transcripts: intron variant (3).
Genome position (GRCh38, 1-based): chr8:11,708,614, C>T. VCF-style: chr8-11708614-C-T. GRCh37 (hg19) VCF-style: chr8-11566123-C-T.
Other names: c.302C>T, p.Pro101Leu (NM_002052.5); c.-6+7836C>T (NM_001308094.2); c.-3+600C>T (NM_001374274.1); c.-3+4310C>T (NM_001374273.1); short protein forms P101L.
Identifiers: ClinVar variation 1002028 (VCV001002028.10), dbSNP rs1800009411, ClinGen allele CA370309347.

ClinVar aggregate classification (germline): Uncertain significance (1 of 4 stars; one submission).

Conditions:
Atrioventricular septal defect 4 (AVSD4). Identifiers: MedGen C3280781, MONDO:0013747, OMIM 614430.

Submission:

Labcorp Genetics (formerly Invitae), Labcorp
Classification: Uncertain significance for Atrioventricular septal defect 4. Last evaluated: 2022-02-10. Review status: criteria provided, single submitter. Criteria: Invitae Variant Classification Sherloc (09022015). Collection method: clinical testing. Allele origin: germline.
Comment: In summary, the available evidence is currently insufficient to determine the role of this variant in disease. Therefore, it has been classified as a Variant of Uncertain Significance. Algorithms developed to predict the effect of missense changes on protein structure and function are either unavailable or do not agree on the potential impact of this missense change (SIFT: "Tolerated"; PolyPhen-2: "Possibly Damaging"; Align-GVGD: "Class C0"). ClinVar contains an entry for this variant (Variation ID: 1002028). This variant has not been reported in the literature in individuals affected with GATA4-related conditions. This variant is not present in population databases (gnomAD no frequency). This sequence change replaces proline, which is neutral and non-polar, with leucine, which is neutral and non-polar, at codon 101 of the GATA4 protein (p.Pro101Leu).